The following is an entry in ClinVar:

NM_000540.3(RYR1):c.5755_5756del (p.Glu1919fs)

Gene: RYR1 (ryanodine receptor 1; plus strand). Cytogenetic location: 19q13.2.
Variant type: Deletion.
Coding change: c.5755_5756del on transcript NM_000540.3 (MANE Select); coding-DNA positions 5755 to 5756, 2 bases deleted (GA; older notation c.5755_5756delGA).
Protein change: p.Glu1919fs; shifts the reading frame from glutamic acid 1919.
Molecular consequence: frameshift variant.
Genome position (GRCh38, 1-based): chr19:38,489,384-38,489,385, GA deleted; deleting any 2 consecutive bases within chr19:38,489,383-38,489,385 gives the same sequence; the c. name uses the placement nearest the transcript's 3' end. VCF-style (leftmost placement, unchanged base first): chr19-38489382-AAG-A. GRCh37 (hg19) VCF-style: chr19-38980022-AAG-A.
Other names: c.5755_5756del, p.Glu1919fs (NM_001042723.2); short protein forms E1919fs.
Identifiers: ClinVar variation 5005978 (VCV005005978.2).
Genomic context (GRCh38, chr19:38,489,382, plus strand): 5'-AAACAGCACAGGAAAAGGAAGATGAGGAAAAAGAGGAAGAGGAGGCAGCAGAAGGGGAGA[AAG>A]AAGAAGGCTTGGAGGAAGGGCTGCTCCAGATGAAGTTGCCAGAGTCTGTGAAGTTACAGG-3'

ClinVar aggregate classification (germline): Likely pathogenic (1 of 4 stars; one submission).

Conditions:
Congenital multicore myopathy with external ophthalmoplegia (CMYO1B). Also called: MULTIMINICORE DISEASE WITH EXTERNAL OPHTHALMOPLEGIA; Minicore myopathy with external ophthalmoplegia; Congenital myopathy 1B, autosomal recessive; Minicore myopathy; MULTICORE MYOPATHY. Identifiers: Orphanet 598, Orphanet 98905, MedGen C1850674, MONDO:0009712, OMIM 255320, HP:0003789.

Submission:

Juno Genomics, Hangzhou Juno Genomics, Inc
Classification: Likely pathogenic for Congenital multicore myopathy with external ophthalmoplegia. Review status: criteria provided, single submitter. Criteria: ACMG Guidelines, 2015. Collection method: clinical testing. Allele origin: germline.
Comment: Null variant in a gene where loss of function (LOF) is a known mechanism of disease.;Absent from controls (or at extremely low frequency if recessive) in Genome Aggregation Database.